The following is an entry in ClinVar:

ClinVar aggregate classification (germline): Likely pathogenic (0 of 4 stars; one submission).

Conditions:
Finnish congenital nephrotic syndrome (NPHS1). Also called: NEPHROTIC SYNDROME, TYPE 1. Identifiers: Orphanet 839, MedGen C0403399, MONDO:0009732, OMIM 256300.

Allele frequency attached by ClinVar (database versions not stated): gnomAD exomes below 0.00001; ExAC 0.00001; gnomAD 0.00001; 1000 Genomes Project 30x 0.00016; 1000 Genomes Project 0.00020.
gnomAD v4.1: 1 of 1,614,054 alleles (0.000062%); highest among the groups gnomAD compares: South Asian, 0.0011%; no homozygotes.

Submission:

Juha Muilu Group; Institute for Molecular Medicine Finland (FIMM)
Classification: Likely pathogenic for Finnish congenital nephrotic syndrome. Review status: no assertion criteria provided. Collection method: not provided. Allele origin: unknown.
Comment: FinDis database variant: This variant was not found or characterized by our laboratory, data were collected from public sources: see reference
ClinVar note: Converted during submission from probable-pathogenic to Likely pathogenic.

NM_004646.4(NPHS1):c.2495T>C (p.Leu832Pro)

Gene: NPHS1 (NPHS1 adhesion molecule, nephrin; minus strand). Cytogenetic location: 19q13.12.
Variant type: single nucleotide variant.
Coding change: c.2495T>C on transcript NM_004646.4 (MANE Select); coding-DNA position 2495, T replaced by C.
Protein change: p.Leu832Pro; replaces leucine 832 with proline.
Molecular consequence: missense variant.
Genome position (GRCh38, 1-based): chr19:35,842,390, A>G on the plus strand (T>C on the coding strand, the complement: NPHS1 is on the minus strand). VCF-style: chr19-35842390-A-G. GRCh37 (hg19) VCF-style: chr19-36333292-A-G.
Other names: short protein forms L832P.
Identifiers: ClinVar variation 56477 (VCV000056477.2), dbSNP rs386833916, ClinGen allele CA250193.